The following is an entry in ClinVar:

ClinVar aggregate classification (germline): Likely benign. Review status: criteria provided, multiple submitters, no conflicts (2 of 4 stars). 2 submissions from 2 submitters: Likely benign (2). Last evaluated 2023-02-14.

Conditions:
ALMS1-related disorder. Also called: ALMS1-related condition.
Alstrom syndrome (ALMS). Identifiers: Orphanet 64, MedGen C0268425, MONDO:0008763, OMIM 203800.

Allele frequency attached by ClinVar (database versions not stated): gnomAD exomes below 0.00001.
gnomAD v4.1: 1 of 1,613,952 alleles (0.000062%); highest among the groups gnomAD compares: African/African-American, 0.0013%; no homozygotes.

Submissions (2):

Labcorp Genetics (formerly Invitae), Labcorp
Classification: Likely benign for Alstrom syndrome. Last evaluated: 2023-02-14. Review status: criteria provided, single submitter. Criteria: Invitae Variant Classification Sherloc (09022015). Collection method: clinical testing. Allele origin: germline.

PreventionGenetics, part of Exact Sciences
Classification: Likely benign for ALMS1-related condition. Last evaluated: 2020-10-19. Review status: criteria provided, single submitter. Criteria: ACMG Guidelines, 2015. Collection method: clinical testing. Allele origin: germline.
Comment: This variant is classified as likely benign based on ACMG/AMP sequence variant interpretation guidelines (Richards et al. 2015 PMID: 25741868, with internal and published modifications).

NM_001378454.1(ALMS1):c.468T>C (p.His156=)

Gene: ALMS1 (ALMS1 centrosome and basal body associated protein; plus strand). Cytogenetic location: 2p13.1.
Variant type: single nucleotide variant.
Coding change: c.468T>C on transcript NM_001378454.1 (MANE Select); coding-DNA position 468, T replaced by C.
Protein change: p.His156=; no amino-acid change (histidine 156 retained).
Molecular consequence: synonymous variant.
Genome position (GRCh38, 1-based): chr2:73,419,140, T>C. VCF-style: chr2-73419140-T-C. GRCh37 (hg19) VCF-style: chr2-73646268-T-C.
Other names: c.471T>C, p.His157= (NM_015120.4).
Identifiers: ClinVar variation 2985347 (VCV002985347.4), dbSNP rs2466036025, ClinGen allele CA426767565.
Genomic context (GRCh38, chr2:73,419,140, plus strand): 5'-CTCAGTTAATGACTTAGCATGTTTTCCTTTAACATTTTTCTAGAAAACAGAATCTTGGCA[T>C]TGTCTTCCTCAAGAAATGGACTCTTCCCAAACCTTGGATACATCCCAGACTAGGTTTAAT-3'
Protein context (NP_001365383.1, residues 146-166): SGDDQKTESW[His156=]CLPQEMDSSQ